The following is an entry in ClinVar:

NM_001024630.4(RUNX2):c.234GGC[2] (p.Ala87_Ala89del)

Genes: RUNX2 (RUNX family transcription factor 2; plus strand), LOC109611589 (runt related transcription factor 2 polyalanine expansion region; plus strand). Cytogenetic location: 6p21.1.
Variant type: Microsatellite.
Coding change: c.234GGC[2] on transcript NM_001024630.4 (MANE Select); two copies in a row of the 3-base unit GGC starting at c.234; the reference has five copies in a row; three copies, 9 bases deleted.
Protein change: p.Ala87_Ala89del.
Molecular consequence: inframe deletion.
Genome position (GRCh38, 1-based): chr6:45,422,774-45,422,782, GGCGGCGGC deleted; deleting any 9 consecutive bases within chr6:45,422,766-45,422,782 gives the same sequence; the position shown is the placement nearest the transcript's 3' end. VCF-style (leftmost placement, unchanged base first): chr6-45422765-TGCGGCGGCG-T. GRCh37 (hg19) VCF-style: chr6-45390502-TGCGGCGGCG-T.
Other names: c.234GGC[2], p.Ala87_Ala89del (NM_001015051.4); c.192GGC[2], p.Ala73_Ala75del (NM_001278478.2, NM_001369405.1).
Identifiers: ClinVar variation 1408906 (VCV001408906.7), dbSNP rs750984370, ClinGen allele CA3836332.

ClinVar aggregate classification (germline): Conflicting classifications of pathogenicity. Review status: criteria provided, conflicting classifications (1 of 4 stars). 2 submissions from 2 submitters: Uncertain significance (1); Likely benign (1). Last evaluated 2026-01-08.

Submissions (2):

Labcorp Genetics (formerly Invitae), Labcorp
Classification: Uncertain significance. Last evaluated: 2026-01-08. Review status: criteria provided, single submitter. Criteria: Invitae Variant Classification Sherloc (09022015). Collection method: clinical testing. Allele origin: germline.
Comment: This variant, c.240_248del, results in the deletion of 3 amino acid(s) of the RUNX2 protein (p.Ala87_Ala89del), but otherwise preserves the integrity of the reading frame. The frequency data for this variant in the population databases is considered unreliable, as metrics indicate poor data quality at this position in the gnomAD database. This variant has not been reported in the literature in individuals affected with RUNX2-related conditions. Experimental studies and prediction algorithms are not available or were not evaluated, and the functional significance of this variant is currently unknown. In summary, the available evidence is currently insufficient to determine the role of this variant in disease. Therefore, it has been classified as a Variant of Uncertain Significance.

Blueprint Genetics
Classification: Likely benign. Last evaluated: 2021-10-07. Review status: criteria provided, single submitter. Criteria: ACMG Guidelines, 2015. Collection method: clinical testing. Allele origin: germline.